The following is an entry in ClinVar:

NM_001077350.3(NPRL3):c.548-6T>C

Genes: HBA-LCR (alpha-globin locus control region; plus strand), NPRL3 (NPR3 like, GATOR1 complex subunit; minus strand). Cytogenetic location: 16p13.3.
Variant type: single nucleotide variant.
Coding change: c.548-6T>C on transcript NM_001077350.3 (MANE Select); 6 bases into the intron before coding-DNA position 548, T replaced by C.
Molecular consequence: intron variant.
Genome position (GRCh38, 1-based): chr16:110,612, A>G on the plus strand (T>C on the coding strand, the complement: NPRL3 is on the minus strand). VCF-style: chr16-110612-A-G. GRCh37 (hg19) VCF-style: chr16-160610-A-G.
Other names: c.314-6T>C (NM_001243247.2); c.473-6T>C (NM_001243248.2, NM_001243249.2); c.11-6T>C (NM_001039476.3); c.548-6T>C (NM_001077350.2).
Identifiers: ClinVar variation 1134769 (VCV001134769.7), dbSNP rs780258721, ClinGen allele CA7769623.

ClinVar aggregate classification (germline): Conflicting classifications of pathogenicity. Review status: criteria provided, conflicting classifications (1 of 4 stars). 2 submissions from 2 submitters: Uncertain significance (1); Likely benign (1). Last evaluated 2025-12-01.

Conditions:
Epilepsy, familial focal, with variable foci 3 (FFEVF3). Identifiers: MedGen C4310708, MONDO:0014925, OMIM 617118.
Inborn genetic diseases. Identifiers: MedGen C0950123, MeSH D030342.

Allele frequency attached by ClinVar (database versions not stated): gnomAD exomes below 0.00001; TOPMed below 0.00001; ExAC 0.00001; gnomAD 0.00001.
gnomAD v4.1: 2 of 1,604,148 alleles (0.00012%); no homozygotes.

Submissions (2):

Labcorp Genetics (formerly Invitae), Labcorp
Classification: Likely benign for Epilepsy, familial focal, with variable foci 3. Last evaluated: 2025-12-01. Review status: criteria provided, single submitter. Criteria: Invitae Variant Classification Sherloc (09022015). Collection method: clinical testing. Allele origin: germline.

Ambry Genetics
Classification: Uncertain significance for Inborn genetic diseases. Last evaluated: 2024-11-15. Review status: criteria provided, single submitter. Criteria: Ambry Variant Classification Scheme 2023. Collection method: clinical testing. Allele origin: germline.
Comment: The c.548-6T>C intronic alteration consists of a T to C substitution 6 nucleotides before coding exon 6 in the NPRL3 gene. Based on insufficient or conflicting evidence, the clinical significance of this alteration remains unclear.